The following is an entry in ClinVar:

NM_001204375.2(NPR3):c.1564A>G (p.Asn522Asp)

Gene: NPR3 (natriuretic peptide receptor 3; plus strand). Cytogenetic location: 5p13.3.
Variant type: single nucleotide variant.
Coding change: c.1564A>G on transcript NM_001204375.2 (MANE Select); coding-DNA position 1564, A replaced by G.
Protein change: p.Asn522Asp; replaces asparagine 522 with aspartic acid.
Molecular consequence: missense variant.
Genome position (GRCh38, 1-based): chr5:32,786,283, A>G. VCF-style: chr5-32786283-A-G. GRCh37 (hg19) VCF-style: chr5-32786389-A-G.
Other names: c.1561A>G, p.Asn521Asp (NM_000908.4); c.913A>G, p.Asn305Asp (NM_001204376.2); c.916A>G, p.Asn306Asp (NM_001363652.2); c.844A>G, p.Asn282Asp (NM_001364458.2); c.793A>G, p.Asn265Asp (NM_001364460.2); short protein forms N265D, N282D, N305D, N306D, N521D, N522D.
Identifiers: ClinVar variation 1240702 (VCV001240702.11), dbSNP rs2270915, ClinGen allele CA3222712.
Genomic context (GRCh38, chr5:32,786,283, plus strand): 5'-CCTTTACCCAGGAAGAAATACAGAATAACCATTGAGAGGCGAACCCAGCAAGAAGAAAGT[A>G]ACCTTGGAAAACATCGGGAATTACGGGAAGATTCCATCAGATCCCATTTTTCAGTAGCTT-3'
Protein context (NP_001191304.1, residues 512-532): IERRTQQEES[Asn522Asp]LGKHRELRED

ClinVar aggregate classification (germline): Benign. Review status: criteria provided, multiple submitters, no conflicts (2 of 4 stars). 3 submissions from 3 submitters: Benign (3). Last evaluated 2026-02-04.

Allele frequency attached by ClinVar (database versions not stated): gnomAD 0.18273 and 0.18577; gnomAD exomes 0.20706 and 0.21315; ESP Exome Variant Server 0.17557; ExAC 0.25867; TOPMed 0.17911; 1000 Genomes Project 30x 0.19082; 1000 Genomes Project 0.19549.
gnomAD v4.1: 332,101 of 1,581,236 alleles (21%); highest among the groups gnomAD compares: South Asian, 27%; 36,640 homozygotes.

Submissions (3):

Labcorp Genetics (formerly Invitae), Labcorp
Classification: Benign. Last evaluated: 2026-02-04. Review status: criteria provided, single submitter. Criteria: Invitae Variant Classification Sherloc (09022015). Collection method: clinical testing. Allele origin: germline.

GeneDx
Classification: Benign. Last evaluated: 2021-05-04. Review status: criteria provided, single submitter. Criteria: GeneDx Variant Classification Process June 2021. Collection method: clinical testing. Allele origin: germline. Affected: yes.
Comment: This variant is associated with the following publications: (PMID: 24465655, 23493048)

Breakthrough Genomics
Classification: Benign. Review status: criteria provided, single submitter. Criteria: ACMG Guidelines, 2015. Collection method: not provided. Allele origin: germline. Inheritance: Autosomal recessive inheritance. Affected: yes.